The following is an entry in ClinVar:

ClinVar aggregate classification (germline): other (0 of 4 stars; one submission).

Conditions:
Familial colorectal cancer. Identifiers: MedGen CN280943, MONDO:0023113. Disease mechanism: loss of function.

Submission:

Systems Biology Platform Zhejiang California International NanoSystems Institute
Classification: other for Familial colorectal cancer. Review status: no assertion criteria provided. Collection method: not provided. Allele origin: unknown.
ClinVar note: Converted during submission from cancer to other.

NM_000038.6(APC):c.933+1353G>C

Gene: APC (APC regulator of WNT signaling pathway; plus strand). Cytogenetic location: 5q22.2.
Variant type: single nucleotide variant.
Coding change: c.933+1353G>C on transcript NM_000038.6 (MANE Select); 1353 bases into the intron after coding-DNA position 933, G replaced by C.
Molecular consequence: intron variant.
Genome position (GRCh38, 1-based): chr5:112,816,946, G>C. VCF-style: chr5-112816946-G-C. GRCh37 (hg19) VCF-style: chr5-112152643-G-C.
Other names: c.933+1353G>C (NM_001354895.2, NM_001127510.3, NM_001354896.2 and 1 more transcripts); c.963+1353G>C (NM_001354897.2, NM_001354902.2); c.879+1353G>C (NM_001127511.3); c.858+1353G>C (NM_001354898.2, NM_001354904.2); c.84+1353G>C (NM_001354906.2); c.849+1353G>C (NM_001354899.2); c.756+1353G>C (NM_001354900.2, NM_001354901.2, NM_001354905.2).
Identifiers: ClinVar variation 82562 (VCV000082562.2), dbSNP rs79631752, ClinGen allele CA015715.